The following is an entry in ClinVar:

NM_006186.4(NR4A2):c.789C>G (p.Cys263Trp)

Gene: NR4A2 (nuclear receptor subfamily 4 group A member 2; minus strand). Cytogenetic location: 2q24.1.
Variant type: single nucleotide variant.
Coding change: c.789C>G on transcript NM_006186.4 (MANE Select); coding-DNA position 789, C replaced by G.
Protein change: p.Cys263Trp; replaces cysteine 263 with tryptophan.
Molecular consequence: missense variant.
Genome position (GRCh38, 1-based): chr2:156,329,398, G>C on the plus strand (C>G on the coding strand, the complement: NR4A2 is on the minus strand). VCF-style: chr2-156329398-G-C. GRCh37 (hg19) VCF-style: chr2-157185910-G-C.
Other names: c.600C>G, p.Cys200Trp (NM_173173.3); short protein forms C200W, C263W.
Identifiers: ClinVar variation 4277238 (VCV004277238.1).

ClinVar aggregate classification (germline): Likely pathogenic (1 of 4 stars; one submission).

Conditions:
Intellectual developmental disorder with language impairment and early-onset DOPA-responsive dystonia-parkinsonism (IDLDP). Identifiers: Orphanet 660017, MedGen C5677001, MONDO:0859257, OMIM 619911.

Submission:

Institute of Human Genetics, Heidelberg University
Classification: Likely pathogenic for Intellectual developmental disorder with language impairment and early-onset DOPA-responsive dystonia-parkinsonism. Last evaluated: 2025-08-11. Review status: criteria provided, single submitter. Criteria: ACMG Guidelines, 2015. Collection method: clinical testing. Allele origin: de novo. Affected: yes. Observed: 1 variant allele.
Comment: PS2_mod, PP3_mod, PM2_supp, PP2